The following is an entry in ClinVar:

ClinVar aggregate classification (germline): Likely pathogenic (1 of 4 stars; one submission).

Conditions:
Nemaline myopathy 2 (NEM2). Also called: Nemaline myopathy 2, autosomal recessive. Identifiers: MedGen C1850569, MONDO:0009725, OMIM 256030.

Submission:

Labcorp Genetics (formerly Invitae), Labcorp
Classification: Likely pathogenic for Nemaline myopathy 2. Last evaluated: 2022-06-08. Review status: criteria provided, single submitter. Criteria: Invitae Variant Classification Sherloc (09022015). Collection method: clinical testing. Allele origin: germline.
Comment: In summary, the currently available evidence indicates that the variant is pathogenic, but additional data are needed to prove that conclusively. Therefore, this variant has been classified as Likely Pathogenic. Algorithms developed to predict the effect of sequence changes on RNA splicing suggest that this variant may disrupt the consensus splice site. Disruption of this splice site has been observed in individual(s) with nemaline myopathy (Invitae). This variant is not present in population databases (gnomAD no frequency). This sequence change affects a donor splice site in intron 30 of the NEB gene. It is expected to disrupt RNA splicing. Variants that disrupt the donor or acceptor splice site typically lead to a loss of protein function (PMID: 16199547), and loss-of-function variants in NEB are known to be pathogenic (PMID: 25205138).

Literature cited by the submitters: PubMed 16199547; PubMed 25205138.

NM_001164508.2(NEB):c.3042+1G>T

Gene: NEB (nebulin; minus strand). Cytogenetic location: 2q23.3.
Variant type: single nucleotide variant.
Coding change: c.3042+1G>T on transcript NM_001164508.2 (MANE Select); the canonical splice donor site of the intron after coding-DNA position 3042, G replaced by T.
Molecular consequence: splice donor variant.
Genome position (GRCh38, 1-based): chr2:151,680,729, C>A on the plus strand (G>T on the coding strand, the complement: NEB is on the minus strand). VCF-style: chr2-151680729-C-A. GRCh37 (hg19) VCF-style: chr2-152537243-C-A.
Other names: c.3042+1G>T (NM_004543.5, NM_001164507.2, NM_001271208.2).
Identifiers: ClinVar variation 2003563 (VCV002003563.4), dbSNP rs2099408391, ClinGen allele CA348820977.